The following is an entry in ClinVar:

ClinVar aggregate classification (germline): Pathogenic/Likely pathogenic. Review status: criteria provided, multiple submitters, no conflicts (2 of 4 stars). 2 submissions from 2 submitters: Pathogenic (1); Likely pathogenic (1). Last evaluated 2024-09-18.

Conditions:
CYP4V2-related disorder. Also called: CYP4V2-related condition; CYP4V2-related disorders.

Submissions (2):

Blueprint Genetics
Classification: Likely pathogenic for CYP4V2-related disorders. Last evaluated: 2024-09-18. Review status: criteria provided, single submitter. Criteria: ACMG Guidelines, 2015. Collection method: clinical testing. Allele origin: germline. Affected: yes. Observed: 4 variant alleles.

Labcorp Genetics (formerly Invitae), Labcorp
Classification: Pathogenic. Last evaluated: 2022-07-12. Review status: criteria provided, single submitter. Criteria: Invitae Variant Classification Sherloc (09022015). Collection method: clinical testing. Allele origin: germline.
Comment: This sequence change creates a premature translational stop signal (p.Asn171Ilefs*27) in the CYP4V2 gene. It is expected to result in an absent or disrupted protein product. Loss-of-function variants in CYP4V2 are known to be pathogenic (PMID: 15042513, 25118264). This variant is present in population databases (rs780661245, gnomAD 0.004%). This variant has not been reported in the literature in individuals affected with CYP4V2-related conditions. For these reasons, this variant has been classified as Pathogenic.

Literature cited by the submitters: PubMed 15042513 (cited by Labcorp Genetics (formerly Invitae), Labcorp); PubMed 25118264 (cited by Labcorp Genetics (formerly Invitae), Labcorp).

NM_207352.4(CYP4V2):c.512del (p.Asn171fs)

Gene: CYP4V2 (cytochrome P450 family 4 subfamily V member 2; plus strand). Cytogenetic location: 4q35.1.
Variant type: Deletion.
Coding change: c.512del on transcript NM_207352.4 (MANE Select); coding-DNA position 512, one base deleted (A; older notation c.512delA).
Protein change: p.Asn171fs; shifts the reading frame from asparagine 171.
Molecular consequence: frameshift variant.
Genome position (GRCh38, 1-based): chr4:186,197,038, A deleted; the last of 3 consecutive A bases (chr4:186,197,036-186,197,038); deleting any one gives the same sequence. VCF-style (leftmost placement, unchanged base first): chr4-186197035-CA-C. GRCh37 (hg19) VCF-style: chr4-187118189-CA-C.
Other names: short protein forms N171fs.
Identifiers: ClinVar variation 1980534 (VCV001980534.5), dbSNP rs780661245, ClinGen allele CA3162574.